The following is an entry in ClinVar:

NM_000053.4(ATP7B):c.3556+20T>G

Gene: ATP7B (ATPase copper transporting beta; minus strand). Cytogenetic location: 13q14.3.
Variant type: single nucleotide variant.
Coding change: c.3556+20T>G on transcript NM_000053.4 (MANE Select); 20 bases into the intron after coding-DNA position 3556, T replaced by G.
Molecular consequence: intron variant.
Genome position (GRCh38, 1-based): chr13:51,941,061, A>C on the plus strand (T>G on the coding strand, the complement: ATP7B is on the minus strand). VCF-style: chr13-51941061-A-C. GRCh37 (hg19) VCF-style: chr13-52515197-A-C.
Other names: c.3223+20T>G (NM_001243182.2); c.2935+20T>G (NM_001005918.3); c.3304+20T>G (NM_001330579.2); c.3322+20T>G (NM_001330578.2).
Identifiers: ClinVar variation 669155 (VCV000669155.8), dbSNP rs765755993, ClinGen allele CA6988659.
Genomic context (GRCh38, chr13:51,941,061, plus strand): 5'-TAAAGGAGGACTCTTTTGCCTGATATCTGCAGAAAACTGTATTTCTGAGAGAGCGGAAGG[A>C]AGGCAGAAGCAGAAGATACCGTCAATAGCCACCAGGATGGCTGTCTGTCCTTTCATCTCG-3'

ClinVar aggregate classification (germline): Likely benign. Review status: criteria provided, multiple submitters, no conflicts (2 of 4 stars). 2 submissions from 2 submitters: Likely benign (2). Last evaluated 2025-12-26.

Conditions:
Wilson disease (WND). Also called: Wilson's disease. Identifiers: Orphanet 905, MedGen C0019202, MONDO:0010200, OMIM 277900. Disease mechanism: loss of function.

Allele frequency attached by ClinVar (database versions not stated): ExAC 0.00001; gnomAD exomes 0.00001; TOPMed 0.00001.
gnomAD v4.1: 22 of 1,614,054 alleles (0.0014%); highest among the groups gnomAD compares: Non-Finnish European, 0.0019%; no homozygotes.

Submissions (2):

Labcorp Genetics (formerly Invitae), Labcorp
Classification: Likely benign for Wilson disease. Last evaluated: 2025-12-26. Review status: criteria provided, single submitter. Criteria: Invitae Variant Classification Sherloc (09022015). Collection method: clinical testing. Allele origin: germline.

GeneDx
Classification: Likely benign. Last evaluated: 2018-06-18. Review status: criteria provided, single submitter. Criteria: GeneDx Variant Classification (06012015). Collection method: clinical testing. Allele origin: germline. Affected: yes.
Comment: This variant is considered likely benign or benign based on one or more of the following criteria: it is a conservative change, it occurs at a poorly conserved position in the protein, it is predicted to be benign by multiple in silico algorithms, and/or has population frequency not consistent with disease.